The following is an entry in ClinVar:

NM_018979.4(WNK1):c.458C>A (p.Pro153His)

Gene: WNK1 (WNK lysine deficient protein kinase 1; plus strand). Cytogenetic location: 12p13.33.
Variant type: single nucleotide variant.
Coding change: c.458C>A on transcript NM_018979.4 (MANE Select); coding-DNA position 458, C replaced by A.
Protein change: p.Pro153His; replaces proline 153 with histidine.
Molecular consequence: missense variant.
Genome position (GRCh38, 1-based): chr12:754,023, C>A. VCF-style: chr12-754023-C-A. GRCh37 (hg19) VCF-style: chr12-863189-C-A.
Other names: c.458C>A, p.Pro153His (NM_001184985.2, NM_014823.3, NM_213655.5); short protein forms P153H.
Identifiers: ClinVar variation 4789459 (VCV004789459.1).

ClinVar aggregate classification (germline): Uncertain significance (1 of 4 stars; one submission).

Conditions:
Neuropathy, hereditary sensory and autonomic, type 2A (HSAN2A). Also called: WNK1-Related HSAN2 (HSAN2A); ACROOSTEOLYSIS, GIACCAI TYPE; ACROOSTEOLYSIS, NEUROGENIC; MORVAN DISEASE; NEUROPATHY, CONGENITAL SENSORY; NEUROPATHY, HEREDITARY SENSORY RADICULAR, AUTOSOMAL RECESSIVE. Identifiers: Orphanet 970, MedGen C2752089, MONDO:0024309, OMIM 201300.
Pseudohypoaldosteronism type 2C (PHA2C). Also called: Pseudohypoaldosteronism Type IIC. Identifiers: Orphanet 757, Orphanet 88940, MedGen C1840391, MONDO:0013778, OMIM 614492.

gnomAD v4.1: 1 of 1,588,540 alleles (0.000063%); highest among the groups gnomAD compares: Non-Finnish European, 0.000086%; no homozygotes.

Submission:

Labcorp Genetics (formerly Invitae), Labcorp
Classification: Uncertain significance for Neuropathy, hereditary sensory and autonomic, type 2A; Pseudohypoaldosteronism type 2C. Last evaluated: 2025-10-01. Review status: criteria provided, single submitter. Criteria: Invitae Variant Classification Sherloc (09022015). Collection method: clinical testing. Allele origin: germline.
Comment: This sequence change replaces proline, which is neutral and non-polar, with histidine, which is basic and polar, at codon 153 of the WNK1 protein (p.Pro153His). This variant is not present in population databases (gnomAD no frequency). This variant has not been reported in the literature in individuals affected with WNK1-related conditions. Invitae Evidence Modeling of protein sequence and biophysical properties (such as structural, functional, and spatial information, amino acid conservation, physicochemical variation, residue mobility, and thermodynamic stability) indicates that this missense variant is not expected to disrupt WNK1 protein function with a negative predictive value of 95%. In summary, the available evidence is currently insufficient to determine the role of this variant in disease. Therefore, it has been classified as a Variant of Uncertain Significance.